The following is an entry in ClinVar:

ClinVar aggregate classification (germline): Conflicting classifications of pathogenicity. Review status: criteria provided, conflicting classifications (1 of 4 stars). 8 submissions from 8 submitters: Uncertain significance (6); Likely benign (1). 1 of the submissions does not count toward it. Last evaluated 2026-05-27.

Conditions:
Charlevoix-Saguenay spastic ataxia (SACS). Also called: SPASTIC ATAXIA 6, AUTOSOMAL RECESSIVE; AUTOSOMAL RECESSIVE SPASTIC ATAXIA OF CHARLEVOIX-SAGUENAY; Spastic ataxia of Charlevoix-Saguenay. Identifiers: Orphanet 98, MedGen C1849140, MONDO:0010041, OMIM 270550.
Hereditary spastic paraplegia. Also called: Familial spastic paraparesis. Identifiers: Orphanet 685, MedGen C0037773, MONDO:0019064. Disease mechanism: loss of function.
SACS-related disorder. Also called: SACS-related condition.
Spastic paraplegia. Identifiers: MedGen C0037772, HP:0001258.

Allele frequency attached by ClinVar (database versions not stated): TOPMed 0.00006; gnomAD 0.00007.
gnomAD v4.1: 97 of 1,613,616 alleles (0.006%); highest among the groups gnomAD compares: Middle Eastern, 0.016%; no homozygotes.

Submissions (8):

PreventionGenetics, part of Exact Sciences
Classification: Uncertain significance for SACS-related condition. Last evaluated: 2026-05-27. Review status: criteria provided, single submitter. Criteria: ACMG Guidelines, 2015. Collection method: clinical testing. Allele origin: germline.
Comment: The SACS c.11066C>A variant is predicted to result in the amino acid substitution p.Pro3689Gln. To our knowledge, this variant has not been reported in the literature. This variant is reported in 0.011% of alleles in individuals of European (Non-Finnish) descent in gnomAD. At this time, the clinical significance of this variant is uncertain due to the absence of conclusive functional and genetic evidence.

Labcorp Genetics (formerly Invitae), Labcorp
Classification: Likely benign for Spastic paraplegia. Last evaluated: 2026-01-25. Review status: criteria provided, single submitter. Criteria: Invitae Variant Classification Sherloc (09022015). Collection method: clinical testing. Allele origin: germline.

CeGaT Center for Human Genetics Tuebingen
Classification: Uncertain significance. Last evaluated: 2025-08-01. Review status: criteria provided, single submitter. Criteria: CeGaT Center For Human Genetics Tuebingen Variant Classification Criteria Version 2. Collection method: clinical testing. Allele origin: germline. Affected: yes. Observed: 3 variant alleles.
Comment: SACS: PM2, PP3

Genome-Nilou Lab
Classification: Uncertain significance for Charlevoix-Saguenay spastic ataxia. Last evaluated: 2021-09-05. Review status: criteria provided, single submitter. Criteria: ACMG Guidelines, 2015. Collection method: clinical testing. Allele origin: germline. Affected: no.

Genome Diagnostics Laboratory, The Hospital for Sick Children
Classification: Uncertain significance for Hereditary spastic paraplegia. Last evaluated: 2020-01-02. Review status: criteria provided, single submitter. Criteria: ACMG Guidelines, 2015. Collection method: clinical testing. Allele origin: germline. Affected: yes.

Athena Diagnostics
Classification: Uncertain significance. Last evaluated: 2019-01-31. Review status: criteria provided, single submitter. Criteria: Athena Diagnostics Criteria. Collection method: clinical testing. Allele origin: germline.

Illumina Laboratory Services, Illumina
Classification: Uncertain significance for Charlevoix-Saguenay spastic ataxia. Last evaluated: 2017-04-27. Review status: criteria provided, single submitter. Criteria: ICSL Variant Classification Criteria 13 December 2019. Collection method: clinical testing. Allele origin: germline.

Natera, Inc.
Classification: Uncertain significance for Charlevoix-Saguenay type spastic ataxia. Last evaluated: 2020-01-24. Review status: no assertion criteria provided. Collection method: clinical testing. Allele origin: germline. Not counted in ClinVar's aggregate classification.

NM_014363.6(SACS):c.11066C>A (p.Pro3689Gln)

Gene: SACS (sacsin molecular chaperone; minus strand). Cytogenetic location: 13q12.12.
Variant type: single nucleotide variant.
Coding change: c.11066C>A on transcript NM_014363.6 (MANE Select); coding-DNA position 11066, C replaced by A.
Protein change: p.Pro3689Gln; replaces proline 3689 with glutamine.
Molecular consequence: missense variant.
Genome position (GRCh38, 1-based): chr13:23,332,810, G>T on the plus strand (C>A on the coding strand, the complement: SACS is on the minus strand). VCF-style: chr13-23332810-G-T. GRCh37 (hg19) VCF-style: chr13-23906949-G-T.
Other names: c.10625C>A, p.Pro3542Gln (NM_001278055.2); short protein forms P3689Q, P3542Q.
Identifiers: ClinVar variation 623825 (VCV000623825.59), dbSNP rs148925505, ClinGen allele CA6910344.
Genomic context (GRCh38, chr13:23,332,810, plus strand): 5'-TCTGGAAGAATAGGGCAGGATGTCCATAACAGCTGGAGTACATCACATTGCTTGAATTTT[G>T]GATTTACCTGTGCTCCATTGAACTTTATAAGAGGAAGTGTTCCATTTACCTCTTGATATT-3'
Protein context (NP_055178.3, residues 3679-3699): LIKFNGAQVN[Pro3689Gln]KFKQCDVLQL